The following is an entry in ClinVar:

ClinVar aggregate classification (germline): Uncertain significance. Review status: criteria provided, multiple submitters, no conflicts (2 of 4 stars). 2 submissions from 2 submitters: Uncertain significance (2). Last evaluated 2025-01-12.

Conditions:
DICER1-related tumor predisposition. Also called: DICER1-related pleuropulmonary blastoma cancer predisposition syndrome; DICER1 syndrome. Identifiers: Orphanet 284343, MedGen C3839822, MONDO:0100216.
Hereditary cancer-predisposing syndrome. Also called: Hereditary Cancer Syndrome; Neoplastic Syndromes, Hereditary; Hereditary neoplastic syndrome; Tumor predisposition. Identifiers: Orphanet 140162, MedGen C0027672, MeSH D009386, MONDO:0015356.

Submissions (2):

Labcorp Genetics (formerly Invitae), Labcorp
Classification: Uncertain significance for DICER1-related tumor predisposition. Last evaluated: 2025-01-12. Review status: criteria provided, single submitter. Criteria: Invitae Variant Classification Sherloc (09022015). Collection method: clinical testing. Allele origin: germline.
Comment: This sequence change replaces proline, which is neutral and non-polar, with alanine, which is neutral and non-polar, at codon 651 of the DICER1 protein (p.Pro651Ala). This variant is present in population databases (no rsID available, gnomAD 0.003%). This variant has not been reported in the literature in individuals affected with DICER1-related conditions. ClinVar contains an entry for this variant (Variation ID: 820356). Invitae Evidence Modeling of protein sequence and biophysical properties (such as structural, functional, and spatial information, amino acid conservation, physicochemical variation, residue mobility, and thermodynamic stability) indicates that this missense variant is not expected to disrupt DICER1 protein function with a negative predictive value of 95%. In summary, the available evidence is currently insufficient to determine the role of this variant in disease. Therefore, it has been classified as a Variant of Uncertain Significance.

Ambry Genetics
Classification: Uncertain significance for Hereditary cancer-predisposing syndrome. Last evaluated: 2023-11-02. Review status: criteria provided, single submitter. Criteria: Ambry Variant Classification Scheme 2023. Collection method: clinical testing. Allele origin: germline.
Comment: The p.P651A variant (also known as c.1951C>G), located in coding exon 11 of the DICER1 gene, results from a C to G substitution at nucleotide position 1951. The proline at codon 651 is replaced by alanine, an amino acid with highly similar properties. This amino acid position is highly conserved in available vertebrate species. In addition, the in silico prediction for this alteration is inconclusive. Since supporting evidence is limited at this time, the clinical significance of this alteration remains unclear.

NM_177438.3(DICER1):c.1951C>G (p.Pro651Ala)

Gene: DICER1 (dicer 1, ribonuclease III; minus strand). Cytogenetic location: 14q32.13.
Variant type: single nucleotide variant.
Coding change: c.1951C>G on transcript NM_177438.3 (MANE Select); coding-DNA position 1951, C replaced by G.
Protein change: p.Pro651Ala; replaces proline 651 with alanine.
Molecular consequence: missense variant.
Genome position (GRCh38, 1-based): chr14:95,113,181, G>C on the plus strand (C>G on the coding strand, the complement: DICER1 is on the minus strand). VCF-style: chr14-95113181-G-C. GRCh37 (hg19) VCF-style: chr14-95579518-G-C.
Other names: c.1951C>G, p.Pro651Ala (NM_001195573.1, NM_001271282.3, NM_001291628.2 and 1 more transcripts); short protein forms P651A.
Identifiers: ClinVar variation 820356 (VCV000820356.9), dbSNP rs1315942457, ClinGen allele CA390883411.
Genomic context (GRCh38, chr14:95,113,181, plus strand): 5'-TTGGCAGATAAAGAGTTGAATAAAATGTACCATCAGGCAACTCTCGGGTTCTGCATTTAG[G>C]AGCTAGATGAGTAAACGGATCACTTGGTAATCTAGCACAGTATCTGTGAAGAAAAAGAAA-3'
Protein context (NP_803187.1, residues 641-661): LPSDPFTHLA[Pro651Ala]KCRTRELPDG